The following is an entry in ClinVar:

ClinVar aggregate classification (germline): Uncertain significance. Review status: criteria provided, multiple submitters, no conflicts (2 of 4 stars). 2 submissions from 2 submitters: Uncertain significance (2). Last evaluated 2019-07-11.

Conditions:
Bethlem myopathy 1A. Also called: Bethlem myopathy 1; MYOPATHY, BENIGN CONGENITAL, WITH CONTRACTURES; Bethlem Muscular Dystrophy. Identifiers: Orphanet 610, MedGen CN029274, MONDO:0024530, OMIM 158810.

Allele frequency attached by ClinVar (database versions not stated): gnomAD 0.00001; gnomAD exomes 0.00001 and 0.00002; ExAC 0.00002; TOPMed 0.00002; ESP Exome Variant Server 0.00008.
gnomAD v4.1: 16 of 1,613,602 alleles (0.00099%); highest among the groups gnomAD compares: South Asian, 0.0011%; no homozygotes.

Submissions (2):

GeneDx
Classification: Uncertain significance. Last evaluated: 2019-07-11. Review status: criteria provided, single submitter. Criteria: GeneDx Variant Classification Process June 2021. Collection method: clinical testing. Allele origin: germline. Affected: yes.
Comment: Has not been previously published as pathogenic or benign to our knowledge; In silico analysis, which includes protein predictors and evolutionary conservation, supports that this variant does not alter protein structure/function

Labcorp Genetics (formerly Invitae), Labcorp
Classification: Uncertain significance for Bethlem myopathy 1A. Last evaluated: 2017-12-21. Review status: criteria provided, single submitter. Criteria: Invitae Variant Classification Sherloc (09022015). Collection method: clinical testing. Allele origin: germline.
Comment: In summary, the available evidence is currently insufficient to determine the role of this variant in disease. Therefore, it has been classified as a Variant of Uncertain Significance. Algorithms developed to predict the effect of sequence changes on RNA splicing suggest that this variant may create or strengthen a splice site, but this prediction has not been confirmed by published transcriptional studies. Algorithms developed to predict the effect of missense changes on protein structure and function do not agree on the potential impact of this missense change (SIFT: "Tolerated"; PolyPhen-2: "Not available"; Align-GVGD: "Class C0"). This variant has not been reported in the literature in individuals with COL6A3-related disease. ClinVar contains an entry for this variant (Variation ID: 432788). This variant is present in population databases (rs146131332, ExAC 0.01%). This sequence change replaces glycine with arginine at codon 2813 of the COL6A3 protein (p.Gly2813Arg). The glycine residue is moderately conserved and there is a moderate physicochemical difference between glycine and arginine.

NM_004369.4(COL6A3):c.8437G>A (p.Gly2813Arg)

Gene: COL6A3 (collagen type VI alpha 3 chain; minus strand). Cytogenetic location: 2q37.3.
Variant type: single nucleotide variant.
Coding change: c.8437G>A on transcript NM_004369.4 (MANE Select); coding-DNA position 8437, G replaced by A.
Protein change: p.Gly2813Arg; replaces glycine 2813 with arginine.
Molecular consequence: missense variant.
Genome position (GRCh38, 1-based): chr2:237,340,479, C>T on the plus strand (G>A on the coding strand, the complement: COL6A3 is on the minus strand). VCF-style: chr2-237340479-C-T. GRCh37 (hg19) VCF-style: chr2-238249122-C-T.
Other names: c.6616G>A, p.Gly2206Arg (NM_057166.5); c.7819G>A, p.Gly2607Arg (NM_057167.4); short protein forms G2813R, G2206R, G2607R.
Identifiers: ClinVar variation 432788 (VCV000432788.11), dbSNP rs146131332, ClinGen allele CA2187548.